The following is an entry in ClinVar:

NM_000277.3(PAH):c.1200-2A>G

Gene: PAH (phenylalanine hydroxylase; minus strand). Cytogenetic location: 12q23.2.
Variant type: single nucleotide variant.
Coding change: c.1200-2A>G on transcript NM_000277.3 (MANE Select); the canonical splice acceptor site of the intron before coding-DNA position 1200, A replaced by G.
Molecular consequence: splice acceptor variant.
Genome position (GRCh38, 1-based): chr12:102,840,517, T>C on the plus strand (A>G on the coding strand, the complement: PAH is on the minus strand). VCF-style: chr12-102840517-T-C. GRCh37 (hg19) VCF-style: chr12-103234295-T-C.
Other names: c.1200-2A>G (NM_001354304.2).
Identifiers: ClinVar variation 862570 (VCV000862570.17), dbSNP rs1592945607, ClinGen allele CA16020965.
Genomic context (GRCh38, chr12:102,840,517, plus strand): 5'-TTTGGGTGTATGGGTCGTAGCGAACTGAGAAGGGCCGAGGTATTGTGGCAGCAAAGTTCC[T>C]AAGACCAAAACCACAGGCTTGAGTGAAGGGCACCATTTGGAGAAAGGTAGTCTTAAGAGA-3'

ClinVar aggregate classification (germline): Pathogenic. Review status: reviewed by expert panel (3 of 4 stars). 5 submissions from 5 submitters: Pathogenic (1). 4 of the submissions do not count toward it. Last evaluated 2020-08-10.

Conditions:
Phenylketonuria (PKU). Also called: FOLLING DISEASE; Phenylketonuria (PKU); OLIGOPHRENIA PHENYLPYRUVICA; Phenylketonurias. Identifiers: Orphanet 716, MedGen C0031485, MONDO:0009861, OMIM 261600. Disease mechanism: loss of function.

Submissions (5):

ClinGen PAH Variant Curation Expert Panel
Classification: Pathogenic for Phenylketonuria. Last evaluated: 2020-08-10. Review status: reviewed by expert panel. Criteria: ClinGen PAH ACMG Specifications v1. Collection method: curation. Allele origin: germline. Inheritance: Autosomal recessive inheritance.
Comment: The c.1200-2A>G variant in PAH is a null variant (canonical - 2 splice site); Loss of function is a known mechanism of disease, exon skipping disrupts reading frame and is predicted to undergo NMD (not located in last 50bp of preliminary exon). Coding exon 12/13 is present in biologically-relevant transcript. This variant has been reported in 2 individuals with PKU (BH4 deficiency excluded, PMID: 21147011, 24301756). This variant is absent in population databases. In summary, this variant meets criteria to be classified as pathogenic for PAH. PAH-specific ACMG/AMP criteria applied: PVS1, PM2, PP4_Moderate.

Baylor Genetics
Classification: Pathogenic for Phenylketonuria. Last evaluated: 2024-02-21. Review status: criteria provided, single submitter. Criteria: ACMG Guidelines, 2015. Collection method: clinical testing. Allele origin: unknown. Not counted in ClinVar's aggregate classification.

Women's Health and Genetics/Laboratory Corporation of America, LabCorp
Classification: Pathogenic for Phenylketonuria. Last evaluated: 2024-02-09. Review status: criteria provided, single submitter. Criteria: LabCorp Variant Classification Summary - May 2015. Collection method: clinical testing. Allele origin: germline. Not counted in ClinVar's aggregate classification.
Comment: Variant summary: PAH c.1200-2A>G is located in a canonical splice-site and is predicted to affect mRNA splicing resulting in a significantly altered protein due to either exon skipping, shortening, or inclusion of intronic material. Several computational tools predict a significant impact on normal splicing: Four predict the variant abolishes a canonical 3' acceptor site. However, these predictions have yet to be confirmed by functional studies. The variant was absent in 251396 control chromosomes (gnomAD). c.1200-2A>G has been reported in the literature in individuals affected with Phenylalanine Hydroxylase Deficiency (Phenylketonuria; Dobrowolski_2011, Kostandyan_2011, Shirzadeh_2018), and one was reported as compound heterozygous with another pathogenic variant. These data indicate that the variant is likely to be associated with disease. The following publications have been ascertained in the context of this evaluation (PMID: 21890392, 30159852, 21147011). ClinVar contains an entry for this variant (Variation ID: 862570). Three submitters have classified the variant as pathogenic, including a ClinGen expert panel. Based on the evidence outlined above, the variant was classified as pathogenic.

Labcorp Genetics (formerly Invitae), Labcorp
Classification: Pathogenic for Phenylketonuria. Last evaluated: 2022-06-17. Review status: criteria provided, single submitter. Criteria: Invitae Variant Classification Sherloc (09022015). Collection method: clinical testing. Allele origin: germline. Not counted in ClinVar's aggregate classification.
Comment: For these reasons, this variant has been classified as Pathogenic. Algorithms developed to predict the effect of sequence changes on RNA splicing suggest that this variant may disrupt the consensus splice site. ClinVar contains an entry for this variant (Variation ID: 862570). This variant is also known as IVS11-2A>G. Disruption of this splice site has been observed in individual(s) with phenylketonuria (PMID: 21890392, 24301756). In at least one individual the data is consistent with being in trans (on the opposite chromosome) from a pathogenic variant. This variant is not present in population databases (gnomAD no frequency). This sequence change affects an acceptor splice site in intron 11 of the PAH gene. It is expected to disrupt RNA splicing. Variants that disrupt the donor or acceptor splice site typically lead to a loss of protein function (PMID: 16199547), and loss-of-function variants in PAH are known to be pathogenic (PMID: 1301187, 9634518).

Natera, Inc.
Classification: Pathogenic for Phenylketonuria. Last evaluated: 2020-08-13. Review status: no assertion criteria provided. Collection method: clinical testing. Allele origin: germline. Not counted in ClinVar's aggregate classification.

Literature cited by the submitters: PubMed 21147011 (cited by ClinGen PAH Variant Curation Expert Panel and Women's Health and Genetics/Laboratory Corporation of America, LabCorp); PubMed 24301756 (cited by ClinGen PAH Variant Curation Expert Panel and Labcorp Genetics (formerly Invitae), Labcorp); PubMed 30159852 (cited by Women's Health and Genetics/Laboratory Corporation of America, LabCorp); PubMed 21890392 (cited by Women's Health and Genetics/Laboratory Corporation of America, LabCorp and Labcorp Genetics (formerly Invitae), Labcorp); PubMed 16199547 (cited by Labcorp Genetics (formerly Invitae), Labcorp); PubMed 1301187 (cited by Labcorp Genetics (formerly Invitae), Labcorp); PubMed 9634518 (cited by Labcorp Genetics (formerly Invitae), Labcorp).